The following is an entry in ClinVar:

ClinVar aggregate classification (germline): Likely pathogenic (1 of 4 stars; one submission).

Conditions:
Primary ciliary dyskinesia. Also called: Ciliary dyskinesia. Identifiers: Orphanet 244, MedGen C0008780, MONDO:0016575, HP:0012265.

Submission:

Labcorp Genetics (formerly Invitae), Labcorp
Classification: Likely pathogenic for Primary ciliary dyskinesia. Last evaluated: 2025-10-27. Review status: criteria provided, single submitter. Criteria: Invitae Variant Classification Sherloc (09022015). Collection method: clinical testing. Allele origin: germline.
Comment: This sequence change affects an acceptor splice site in intron 44 of the DNAH11 gene. It is expected to disrupt RNA splicing. Variants that disrupt the donor or acceptor splice site typically lead to a loss of protein function (PMID: 16199547), and loss-of-function variants in DNAH11 are known to be pathogenic (PMID: 18022865, 20513915, 22184204). This variant is not present in population databases (gnomAD no frequency). Disruption of this splice site has been observed in individual(s) with primary ciliary dyskinesia (PMID: 33447612). Algorithms developed to predict the effect of sequence changes on RNA splicing suggest that this variant may disrupt the consensus splice site. In summary, the currently available evidence indicates that the variant is pathogenic, but additional data are needed to prove that conclusively. Therefore, this variant has been classified as Likely Pathogenic.

Literature cited by the submitters: PubMed 16199547; PubMed 18022865; PubMed 20513915; PubMed 22184204; PubMed 33447612.

NM_001277115.2(DNAH11):c.7267-2A>C

Gene: DNAH11 (dynein axonemal heavy chain 11; plus strand). Cytogenetic location: 7p15.3.
Variant type: single nucleotide variant.
Coding change: c.7267-2A>C on transcript NM_001277115.2 (MANE Select); the canonical splice acceptor site of the intron before coding-DNA position 7267, A replaced by C.
Molecular consequence: splice acceptor variant.
Genome position (GRCh38, 1-based): chr7:21,725,809, A>C. VCF-style: chr7-21725809-A-C. GRCh37 (hg19) VCF-style: chr7-21765427-A-C.
Identifiers: ClinVar variation 4730053 (VCV004730053.1).